The following is an entry in ClinVar:

ClinVar aggregate classification (germline): Uncertain significance. Review status: criteria provided, multiple submitters, no conflicts (2 of 4 stars). 2 submissions from 2 submitters: Uncertain significance (2). Last evaluated 2023-10-23.

Conditions:
Malignant hyperthermia, susceptibility to, 1 (MHS1). Also called: Anesthesia related hyperthermia; Malignant hyperpyrexia; Fulminating hyperpyrexia; Pharmacogenic myopathy; RYR1-Related Malignant Hyperthermia Susceptibility; Malignant hyperthermia suceptibility 1. Identifiers: Orphanet 423, MedGen C2930980, MONDO:0007783, OMIM 145600.

Allele frequency attached by ClinVar (database versions not stated): TOPMed below 0.00001; gnomAD 0.00001.
gnomAD v4.1: 2 of 1,613,022 alleles (0.00012%); highest among the groups gnomAD compares: Non-Finnish European, 0.00017%; no homozygotes.

Submissions (2):

All of Us Research Program, National Institutes of Health
Classification: Uncertain significance for Malignant hyperthermia, susceptibility to, 1. Last evaluated: 2023-10-23. Review status: criteria provided, single submitter. Criteria: ACMG Guidelines, 2015. Collection method: clinical testing. Allele origin: germline. Inheritance: Autosomal dominant inheritance. Observed: 1 variant allele, 1 heterozygote.
Comment: This missense variant replaces valine with leucine at codon 2579 of the RYR1 protein. Computational prediction suggests that this variant may not impact protein structure and function (internally defined REVEL score threshold <= 0.5, PMID: 27666373). To our knowledge, functional studies have not been reported for this variant. This variant has not been reported in individuals affected with RYR1-related disorders in the literature. This variant has not been identified in the general population by the Genome Aggregation Database (gnomAD). The available evidence is insufficient to determine the role of this variant in disease conclusively. Therefore, this variant is classified as a Variant of Uncertain Significance.

This study involves interpretation of variants in research participants for the purpose of population health screening. Participant phenotype was not available at the time of variant classification. Additional details can be found in publication PMID: 35346344, PMCID: PMC8962531

Color Diagnostics, LLC DBA Color Health
Classification: Uncertain significance for Malignant hyperthermia, susceptibility to, 1. Last evaluated: 2023-09-06. Review status: criteria provided, single submitter. Criteria: ACMG Guidelines, 2015. Collection method: clinical testing. Allele origin: germline.
Comment: This missense variant replaces valine with leucine at codon 2579 of the RYR1 protein. Computational prediction suggests that this variant may not impact protein structure and function. To our knowledge, functional studies have not been reported for this variant. This variant has not been reported in individuals affected with RYR1-related disorders in the literature. This variant has not been identified in the general population by the Genome Aggregation Database (gnomAD). The available evidence is insufficient to determine the role of this variant in disease conclusively. Therefore, this variant is classified as a Variant of Uncertain Significance.

NM_000540.3(RYR1):c.7735G>C (p.Val2579Leu)

Gene: RYR1 (ryanodine receptor 1; plus strand). Cytogenetic location: 19q13.2.
Variant type: single nucleotide variant.
Coding change: c.7735G>C on transcript NM_000540.3 (MANE Select); coding-DNA position 7735, G replaced by C.
Protein change: p.Val2579Leu; replaces valine 2579 with leucine.
Molecular consequence: missense variant.
Genome position (GRCh38, 1-based): chr19:38,502,627, G>C. VCF-style: chr19-38502627-G-C. GRCh37 (hg19) VCF-style: chr19-38993267-G-C.
Other names: c.7735G>C, p.Val2579Leu (NM_001042723.2); short protein forms V2579L.
Identifiers: ClinVar variation 3074113 (VCV003074113.2), dbSNP rs1438735341, ClinGen allele CA405671850.